The following is an entry in ClinVar:

ClinVar aggregate classification (germline): Uncertain significance (1 of 4 stars; one submission).

Conditions:
Fanconi anemia (FA). Also called: Fanconi's anemia. Identifiers: Orphanet 84, MedGen C0015625, MeSH D005199, MONDO:0019391.

Submission:

Labcorp Genetics (formerly Invitae), Labcorp
Classification: Uncertain significance for Fanconi anemia. Last evaluated: 2021-04-19. Review status: criteria provided, single submitter. Criteria: Invitae Variant Classification Sherloc (09022015). Collection method: clinical testing. Allele origin: germline.
Comment: This variant has not been reported in the literature in individuals with SLX4-related conditions. This variant is not present in population databases (ExAC no frequency). This sequence change replaces leucine with phenylalanine at codon 1278 of the SLX4 protein (p.Leu1278Phe). The leucine residue is moderately conserved and there is a small physicochemical difference between leucine and phenylalanine. Algorithms developed to predict the effect of missense changes on protein structure and function are either unavailable or do not agree on the potential impact of this missense change (SIFT: "Deleterious"; PolyPhen-2: "Possibly Damaging"; Align-GVGD: "Class C0"). In summary, the available evidence is currently insufficient to determine the role of this variant in disease. Therefore, it has been classified as a Variant of Uncertain Significance.

NM_032444.4(SLX4):c.3832C>T (p.Leu1278Phe)

Gene: SLX4 (SLX4 structure-specific endonuclease subunit; minus strand). Cytogenetic location: 16p13.3.
Variant type: single nucleotide variant.
Coding change: c.3832C>T on transcript NM_032444.4 (MANE Select); coding-DNA position 3832, C replaced by T.
Protein change: p.Leu1278Phe; replaces leucine 1278 with phenylalanine.
Molecular consequence: missense variant.
Genome position (GRCh38, 1-based): chr16:3,589,806, G>A on the plus strand (C>T on the coding strand, the complement: SLX4 is on the minus strand). VCF-style: chr16-3589806-G-A. GRCh37 (hg19) VCF-style: chr16-3639807-G-A.
Other names: short protein forms L1278F.
Identifiers: ClinVar variation 1464933 (VCV001464933.8), dbSNP rs2151122691, ClinGen allele CA394519159.
Genomic context (GRCh38, chr16:3,589,806, plus strand): 5'-TTCCTACTGAGGCCCTGGGCGTGTGCTGAGTCACCGCCTGCACGGCCAGCCCGCTCCTGA[G>A]GCTGCTGATTTGGGTCTGGGAAGAACAGTCACGGCTTCTGCTGGCCAGCGGGGTGGCGGG-3'
Protein context (NP_115820.2, residues 1268-1288): DCSSQTQISS[Leu1278Phe]RSGLAVQAVT